The following is an entry in ClinVar:

NM_003238.6(TGFB2):c.787G>T (p.Asp263Tyr)

Gene: TGFB2 (transforming growth factor beta 2; plus strand). Cytogenetic location: 1q41.
Variant type: single nucleotide variant.
Coding change: c.787G>T on transcript NM_003238.6 (MANE Select); coding-DNA position 787, G replaced by T.
Protein change: p.Asp263Tyr; replaces aspartic acid 263 with tyrosine.
Molecular consequence: missense variant.
Genome position (GRCh38, 1-based): chr1:218,436,002, G>T. VCF-style: chr1-218436002-G-T. GRCh37 (hg19) VCF-style: chr1-218609344-G-T.
Other names: c.871G>T, p.Asp291Tyr (NM_001135599.4); short protein forms D263Y, D291Y.
Identifiers: ClinVar variation 2098434 (VCV002098434.4), dbSNP rs2464871514, ClinGen allele CA344727057.

ClinVar aggregate classification (germline): Uncertain significance (1 of 4 stars; one submission).

Conditions:
Loeys-Dietz syndrome 4 (LDS4). Also called: TGFB2-Related Loeys-Dietz Syndrome; ANEURYSM, AORTIC AND CEREBRAL, WITH ARTERIAL TORTUOSITY AND SKELETAL MANIFESTATIONS. Identifiers: MedGen C3553762, MONDO:0013897, OMIM 614816.

Allele frequency attached by ClinVar (database versions not stated): gnomAD exomes below 0.00001.
gnomAD v4.1: 1 of 1,613,842 alleles (0.000062%); highest among the groups gnomAD compares: Non-Finnish European, 0.000085%; no homozygotes.

Submission:

Labcorp Genetics (formerly Invitae), Labcorp
Classification: Uncertain significance for Loeys-Dietz syndrome 4. Last evaluated: 2022-07-13. Review status: criteria provided, single submitter. Criteria: Invitae Variant Classification Sherloc (09022015). Collection method: clinical testing. Allele origin: germline.
Comment: In summary, the available evidence is currently insufficient to determine the role of this variant in disease. Therefore, it has been classified as a Variant of Uncertain Significance. Advanced modeling of protein sequence and biophysical properties (such as structural, functional, and spatial information, amino acid conservation, physicochemical variation, residue mobility, and thermodynamic stability) performed at Invitae indicates that this missense variant is expected to disrupt TGFB2 protein function. This variant has not been reported in the literature in individuals affected with TGFB2-related conditions. This variant is not present in population databases (gnomAD no frequency). This sequence change replaces aspartic acid, which is acidic and polar, with tyrosine, which is neutral and polar, at codon 263 of the TGFB2 protein (p.Asp263Tyr).